The following is an entry in ClinVar:

NM_001393769.1(MED12L):c.2914G>A (p.Val972Met)

Genes: MED12L (mediator complex subunit 12L; plus strand), P2RY12 (purinergic receptor P2Y12; minus strand). Cytogenetic location: 3q25.1.
Variant type: single nucleotide variant.
Coding change: c.2914G>A on transcript NM_001393769.1 (MANE Select); coding-DNA position 2914, G replaced by A.
Protein change: p.Val972Met; replaces valine 972 with methionine.
Molecular consequence: missense variant. On other transcripts: intron variant (1).
Genome position (GRCh38, 1-based): chr3:151,360,562, G>A. VCF-style: chr3-151360562-G-A. GRCh37 (hg19) VCF-style: chr3-151078350-G-A.
Other names: c.2809G>A, p.Val937Met (NM_053002.6); c.-179-19802C>T (NM_022788.5); short protein forms V937M, V972M.
Identifiers: ClinVar variation 2637225 (VCV002637225.1), dbSNP rs2473613799, ClinGen allele CA354966370.
Genomic context (GRCh38, chr3:151,360,562, plus strand): 5'-AACCCCTCAGAATGTTCTTCCCCTGAAAGATGCATTTTAGCCTACCTCTATGATCTCTAT[G>A]TGTCATGTAGCCACCTCAGAAGTAAATTTGGAGACCTCTTCAGGTGAGTAGAAGAGACTC-3'
Protein context (NP_001380698.1, residues 962-982): CILAYLYDLY[Val972Met]SCSHLRSKFG

ClinVar aggregate classification (germline): Uncertain significance (1 of 4 stars; one submission).

Conditions:
MED12L-related disorder. Also called: MED12L-related condition.

Allele frequency attached by ClinVar (database versions not stated): gnomAD exomes below 0.00001.
gnomAD v4.1: 1 of 1,612,844 alleles (0.000062%); highest among the groups gnomAD compares: Non-Finnish European, 0.000085%; no homozygotes.

Submission:

PreventionGenetics, part of Exact Sciences
Classification: Uncertain significance for MED12L-related condition. Last evaluated: 2022-09-28. Review status: criteria provided, single submitter. Criteria: ACMG Guidelines, 2015. Collection method: clinical testing. Allele origin: germline.
Comment: The MED12L c.2809G>A variant is predicted to result in the amino acid substitution p.Val937Met. To our knowledge, this variant has not been reported in the literature or in a large population database, indicating this variant is rare. At this time, the clinical significance of this variant is uncertain due to the absence of conclusive functional and genetic evidence.